The following is an entry in ClinVar:

ClinVar aggregate classification (germline): Conflicting classifications of pathogenicity. Review status: criteria provided, conflicting classifications (1 of 4 stars). 6 submissions from 6 submitters: Uncertain significance (5); Likely benign (1). Last evaluated 2025-08-11.

Conditions:
Hypokalemic periodic paralysis, type 1. Also called: Hypokalemic Periodic Paralysis Type 1 (AD); HypoPP. Identifiers: Orphanet 681, MedGen C3714580, MONDO:0042979, OMIM 170400.
Malignant hyperthermia, susceptibility to, 5 (MHS5). Also called: CACNA1S-Related Malignant Hyperthermia Susceptibility. Identifiers: Orphanet 423, MedGen C1866077, MONDO:0011163, OMIM 601887.
Congenital myopathy 18. Also called: DIHYDROPYRIDINE RECEPTOR CONGENITAL MYOPATHY; DHPR CONGENITAL MYOPATHY; Myopathy, congenital, due to dihydropyridine receptor defect. Identifiers: MedGen C5830283, MONDO:0859514, OMIM 620246.
Thyrotoxic periodic paralysis, susceptibility to, 1 (TTPP1). Identifiers: Orphanet 79102, MedGen C2749982, MONDO:0008570, OMIM 188580.
Inborn genetic diseases. Identifiers: MedGen C0950123, MeSH D030342.

Allele frequency attached by ClinVar (database versions not stated): gnomAD 0.00003 and 0.00004; gnomAD exomes 0.00004 and 0.00005; TOPMed 0.00004; ExAC 0.00005.
gnomAD v4.1: 78 of 1,614,010 alleles (0.0048%); highest among the groups gnomAD compares: Non-Finnish European, 0.0058%; 1 homozygote.

Submissions (6):

Labcorp Genetics (formerly Invitae), Labcorp
Classification: Likely benign for Hypokalemic periodic paralysis, type 1; Malignant hyperthermia, susceptibility to, 5. Last evaluated: 2025-08-11. Review status: criteria provided, single submitter. Criteria: Invitae Variant Classification Sherloc (09022015). Collection method: clinical testing. Allele origin: germline.

Fulgent Genetics
Classification: Uncertain significance for Hypokalemic periodic paralysis, type 1; Thyrotoxic periodic paralysis, susceptibility to, 1; Malignant hyperthermia, susceptibility to, 5; Congenital myopathy 18. Last evaluated: 2024-05-10. Review status: criteria provided, single submitter. Criteria: ACMG Guidelines, 2015. Collection method: clinical testing. Allele origin: germline.

Color Diagnostics, LLC DBA Color Health
Classification: Uncertain significance for Malignant hyperthermia, susceptibility to, 5. Last evaluated: 2024-03-06. Review status: criteria provided, single submitter. Criteria: ACMG Guidelines, 2015. Collection method: clinical testing. Allele origin: germline.
Comment: This missense variant replaces arginine with glutamine at codon 1249 of the CACNA1S protein. Computational prediction suggests that this variant may have deleterious impact on protein structure and function. To our knowledge, functional studies have not been reported for this variant. This variant has not been reported in individuals affected with CACNA1S-related disorders in the literature. This variant has been identified in 10/251350 chromosomes in the general population by the Genome Aggregation Database (gnomAD). The available evidence is insufficient to determine the role of this variant in disease conclusively. Therefore, this variant is classified as a Variant of Uncertain Significance.

Revvity Omics, Revvity
Classification: Uncertain significance. Last evaluated: 2023-05-17. Review status: criteria provided, single submitter. Criteria: ACMG Guidelines, 2015. Collection method: clinical testing. Allele origin: germline.

GeneDx
Classification: Uncertain significance. Last evaluated: 2021-12-30. Review status: criteria provided, single submitter. Criteria: GeneDx Variant Classification Process June 2021. Collection method: clinical testing. Allele origin: germline. Affected: yes.
Comment: Has not been previously published as pathogenic or benign to our knowledge; In silico analysis supports that this missense variant has a deleterious effect on protein structure/function; This variant is associated with the following publications: (PMID: 19118277)

Ambry Genetics
Classification: Uncertain significance for Inborn genetic diseases. Last evaluated: 2021-08-23. Review status: criteria provided, single submitter. Criteria: Ambry Variant Classification Scheme 2023. Collection method: clinical testing. Allele origin: germline.

NM_000069.3(CACNA1S):c.3746G>A (p.Arg1249Gln)

Gene: CACNA1S (calcium voltage-gated channel subunit alpha1 S; minus strand). Cytogenetic location: 1q32.1.
Variant type: single nucleotide variant.
Coding change: c.3746G>A on transcript NM_000069.3 (MANE Select); coding-DNA position 3746, G replaced by A.
Protein change: p.Arg1249Gln; replaces arginine 1249 with glutamine.
Molecular consequence: missense variant.
Genome position (GRCh38, 1-based): chr1:201,053,508, C>T on the plus strand (G>A on the coding strand, the complement: CACNA1S is on the minus strand). VCF-style: chr1-201053508-C-T. GRCh37 (hg19) VCF-style: chr1-201022636-C-T.
Other names: short protein forms R1249Q.
Identifiers: ClinVar variation 1399747 (VCV001399747.13), dbSNP rs775009783, ClinGen allele CA082794.